The following is an entry in ClinVar:

ClinVar aggregate classification (germline): Uncertain significance. Review status: criteria provided, multiple submitters, no conflicts (2 of 4 stars). 3 submissions from 3 submitters: Uncertain significance (3). Last evaluated 2024-10-28.

Allele frequency attached by ClinVar (database versions not stated): gnomAD 0.00002 and 0.00003; gnomAD exomes 0.00003 and 0.00004; ExAC 0.00007.
gnomAD v4.1: 54 of 1,613,650 alleles (0.0033%); highest among the groups gnomAD compares: Non-Finnish European, 0.0044%; no homozygotes.

Submissions (3):

Blueprint Genetics
Classification: Uncertain significance. Last evaluated: 2024-10-28. Review status: criteria provided, single submitter. Criteria: ACMG Guidelines, 2015. Collection method: clinical testing. Allele origin: germline.

Labcorp Genetics (formerly Invitae), Labcorp
Classification: Uncertain significance. Last evaluated: 2024-09-08. Review status: criteria provided, single submitter. Criteria: Invitae Variant Classification Sherloc (09022015). Collection method: clinical testing. Allele origin: germline.
Comment: This sequence change replaces alanine, which is neutral and non-polar, with aspartic acid, which is acidic and polar, at codon 28 of the PROM1 protein (p.Ala28Asp). This variant is present in population databases (rs200267954, gnomAD 0.008%). This variant has not been reported in the literature in individuals affected with PROM1-related conditions. ClinVar contains an entry for this variant (Variation ID: 624012). Invitae Evidence Modeling of protein sequence and biophysical properties (such as structural, functional, and spatial information, amino acid conservation, physicochemical variation, residue mobility, and thermodynamic stability) indicates that this missense variant is not expected to disrupt PROM1 protein function with a negative predictive value of 80%. In summary, the available evidence is currently insufficient to determine the role of this variant in disease. Therefore, it has been classified as a Variant of Uncertain Significance.

CeGaT Center for Human Genetics Tuebingen
Classification: Uncertain significance. Last evaluated: 2018-06-01. Review status: criteria provided, single submitter. Criteria: CeGaT Center For Human Genetics Tuebingen Variant Classification Criteria Version 2. Collection method: clinical testing. Allele origin: germline. Affected: yes. Observed: 1 variant allele.

NM_006017.3(PROM1):c.83C>A (p.Ala28Asp)

Gene: PROM1 (prominin 1; minus strand). Cytogenetic location: 4p15.32.
Variant type: single nucleotide variant.
Coding change: c.83C>A on transcript NM_006017.3 (MANE Select); coding-DNA position 83, C replaced by A.
Protein change: p.Ala28Asp; replaces alanine 28 with aspartic acid.
Molecular consequence: missense variant.
Genome position (GRCh38, 1-based): chr4:16,075,824, G>T on the plus strand (C>A on the coding strand, the complement: PROM1 is on the minus strand). VCF-style: chr4-16075824-G-T. GRCh37 (hg19) VCF-style: chr4-16077447-G-T.
Other names: c.83C>A, p.Ala28Asp (NM_001145847.2, NM_001145848.2, NM_001145849.2 and 6 more transcripts); short protein forms A28D.
Identifiers: ClinVar variation 624012 (VCV000624012.50), dbSNP rs200267954, ClinGen allele CA2867193.